The following is an entry in ClinVar:

ClinVar aggregate classification (germline): Uncertain significance (1 of 4 stars; one submission).

Conditions:
Inborn genetic diseases. Identifiers: MedGen C0950123, MeSH D030342.

Allele frequency attached by ClinVar (database versions not stated): TOPMed 0.00003; ESP Exome Variant Server 0.00015; gnomAD exomes below 0.00001; gnomAD 0.00001.

Submission:

Ambry Genetics
Classification: Uncertain significance for Inborn genetic diseases. Last evaluated: 2020-10-30. Review status: criteria provided, single submitter. Criteria: Ambry Variant Classification Scheme 2023. Collection method: clinical testing. Allele origin: germline.
Comment: The c.565G>A (p.A189T) alteration is located in exon 7 (coding exon 7) of the NAXD gene. This alteration results from a G to A substitution at nucleotide position 565, causing the alanine (A) at amino acid position 189 to be replaced by a threonine (T). Based on data from the Genome Aggregation Database (gnomAD) database, the NAXD c.565G>A alteration was observed in 0.0004% (1/250870) of total alleles studied. This amino acid position is not well conserved in available vertebrate species. The p.A189T alteration is predicted to be tolerated by in silico analysis. Based on insufficient or conflicting evidence, the clinical significance of this alteration remains unclear.

NM_001242882.2(NAXD):c.511G>A (p.Ala171Thr)

Gene: NAXD (NAD(P)HX dehydratase; plus strand). Cytogenetic location: 13q34.
Variant type: single nucleotide variant.
Coding change: c.511G>A on transcript NM_001242882.2 (MANE Select); coding-DNA position 511, G replaced by A.
Protein change: p.Ala171Thr; replaces alanine 171 with threonine.
Molecular consequence: missense variant. On other transcripts: non-coding transcript variant (2).
Genome position (GRCh38, 1-based): chr13:110,634,690, G>A. VCF-style: chr13-110634690-G-A. GRCh37 (hg19) VCF-style: chr13-111287037-G-A.
Other names: c.565G>A, p.Ala189Thr (NM_001242881.2, NM_018210.4); c.235G>A, p.Ala79Thr (NM_001242883.2); short protein forms A171T, A189T, A79T.
Identifiers: ClinVar variation 2227725 (VCV002227725.2), dbSNP rs368569032, ClinGen allele CA7051251.